The following is an entry in ClinVar:

NM_130837.3(OPA1):c.1609A>C (p.Ile537Leu)

Gene: OPA1 (OPA1 mitochondrial dynamin like GTPase; plus strand). Cytogenetic location: 3q29.
Variant type: single nucleotide variant.
Coding change: c.1609A>C on transcript NM_130837.3 (MANE Select); coding-DNA position 1609, A replaced by C.
Protein change: p.Ile537Leu; replaces isoleucine 537 with leucine.
Molecular consequence: missense variant.
Genome position (GRCh38, 1-based): chr3:193,645,553, A>C. VCF-style: chr3-193645553-A-C. GRCh37 (hg19) VCF-style: chr3-193363342-A-C.
Other names: c.1498A>C, p.Ile500Leu (NM_130834.3); c.1501A>C, p.Ile501Leu (NM_130835.3); c.1555A>C, p.Ile519Leu (NM_130836.3); c.1075A>C, p.Ile359Leu (NM_001354663.2); c.1072A>C, p.Ile358Leu (NM_001354664.2); c.1444A>C, p.Ile482Leu (NM_015560.3); c.1336A>C, p.Ile446Leu (NM_130831.3); c.1390A>C, p.Ile464Leu (NM_130832.3); and 1 more; short protein forms I464L, I482L, I446L, I483L, I501L, I358L, I359L, I500L.
Identifiers: ClinVar variation 2004391 (VCV002004391.4), dbSNP rs2474900632, ClinGen allele CA355789986.

ClinVar aggregate classification (germline): Uncertain significance (1 of 4 stars; one submission).

Submission:

Labcorp Genetics (formerly Invitae), Labcorp
Classification: Uncertain significance. Last evaluated: 2022-06-10. Review status: criteria provided, single submitter. Criteria: Invitae Variant Classification Sherloc (09022015). Collection method: clinical testing. Allele origin: germline.
Comment: In summary, the available evidence is currently insufficient to determine the role of this variant in disease. Therefore, it has been classified as a Variant of Uncertain Significance. Algorithms developed to predict the effect of missense changes on protein structure and function (SIFT, PolyPhen-2, Align-GVGD) all suggest that this variant is likely to be tolerated. This variant has not been reported in the literature in individuals affected with OPA1-related conditions. This variant is not present in population databases (gnomAD no frequency). This sequence change replaces isoleucine, which is neutral and non-polar, with leucine, which is neutral and non-polar, at codon 482 of the OPA1 protein (p.Ile482Leu).